The following is an entry in ClinVar:

ClinVar aggregate classification (germline): Uncertain significance (1 of 4 stars; one submission).

Submission:

Ambry Genetics
Classification: Uncertain significance. Last evaluated: 2026-07-04. Review status: criteria provided, single submitter. Criteria: Ambry Variant Classification Scheme 2023. Collection method: clinical testing. Allele origin: germline.
Comment: The p.S420F variant (also known as c.1259C>T), located in coding exon 12 of the KIF1B gene, results from a C to T substitution at nucleotide position 1259. The serine at codon 420 is replaced by phenylalanine, an amino acid with highly dissimilar properties. This amino acid position is conserved. In addition, the in silico prediction for this alteration is inconclusive. Based on the available evidence, the clinical significance of this variant remains unclear.

NM_001365951.3(KIF1B):c.1397C>T (p.Ser466Phe)

Gene: KIF1B (kinesin family member 1B; plus strand). Cytogenetic location: 1p36.22.
Variant type: single nucleotide variant.
Coding change: c.1397C>T on transcript NM_001365951.3 (MANE Select); coding-DNA position 1397, C replaced by T.
Protein change: p.Ser466Phe; replaces serine 466 with phenylalanine.
Molecular consequence: missense variant.
Genome position (GRCh38, 1-based): chr1:10,282,496, C>T. VCF-style: chr1-10282496-C-T. GRCh37 (hg19) VCF-style: chr1-10342554-C-T.
Other names: c.1397C>T, p.Ser466Phe (NM_001365952.1); c.1259C>T, p.Ser420Phe (NM_001365953.1, NM_015074.3, NM_183416.4); short protein forms S420F, S466F.
Identifiers: ClinVar variation 5023181 (VCV005023181.1).
Genomic context (GRCh38, chr1:10,282,496, plus strand): 5'-GCTCACTCAGTAGTCAGGTGGGCTTGACGTCTGTGACCAGTATTCAAGAGAGGATCATGT[C>T]TACACCTGGAGGAGAGGAAGCTATTGAACGTTTAAAGGTAAGTAATAGTTCAGACTGAAT-3'
Protein context (NP_001352880.1, residues 456-476): SVTSIQERIM[Ser466Phe]TPGGEEAIER